The following is an entry in ClinVar:

ClinVar aggregate classification (germline): Uncertain significance (1 of 4 stars; one submission).

Conditions:
Hereditary cancer-predisposing syndrome. Also called: Tumor predisposition; Neoplastic Syndromes, Hereditary; Hereditary neoplastic syndrome; Hereditary Cancer Syndrome. Identifiers: Orphanet 140162, MedGen C0027672, MeSH D009386, MONDO:0015356.

Submission:

Ambry Genetics
Classification: Uncertain significance for Hereditary cancer-predisposing syndrome. Last evaluated: 2024-09-16. Review status: criteria provided, single submitter. Criteria: Ambry Variant Classification Scheme 2023. Collection method: clinical testing. Allele origin: germline.
Comment: The p.A186P variant (also known as c.556G>C), located in coding exon 1 of the AXIN2 gene, results from a G to C substitution at nucleotide position 556. The alanine at codon 186 is replaced by proline, an amino acid with highly similar properties. This amino acid position is conserved. In addition, the in silico prediction for this alteration is inconclusive. Based on the available evidence, the clinical significance of this variant remains unclear.

NM_004655.4(AXIN2):c.556G>C (p.Ala186Pro)

Gene: AXIN2 (axin 2; minus strand). Cytogenetic location: 17q24.1.
Variant type: single nucleotide variant.
Coding change: c.556G>C on transcript NM_004655.4 (MANE Select); coding-DNA position 556, G replaced by C.
Protein change: p.Ala186Pro; replaces alanine 186 with proline.
Molecular consequence: missense variant.
Genome position (GRCh38, 1-based): chr17:65,558,065, C>G on the plus strand (G>C on the coding strand, the complement: AXIN2 is on the minus strand). VCF-style: chr17-65558065-C-G. GRCh37 (hg19) VCF-style: chr17-63554183-C-G.
Other names: c.556G>C, p.Ala186Pro (NM_001363813.1); short protein forms A186P.
Identifiers: ClinVar variation 3470376 (VCV003470376.1).